The following is an entry in ClinVar:

NM_031407.7(HUWE1):c.8504C>T (p.Ser2835Phe)

Gene: HUWE1 (HECT, UBA and WWE domain containing E3 ubiquitin protein ligase 1; minus strand). Cytogenetic location: Xp11.22.
Variant type: single nucleotide variant.
Coding change: c.8504C>T on transcript NM_031407.7 (MANE Select); coding-DNA position 8504, C replaced by T.
Protein change: p.Ser2835Phe; replaces serine 2835 with phenylalanine.
Molecular consequence: missense variant.
Genome position (GRCh38, 1-based): chrX:53,552,884, G>A on the plus strand (C>T on the coding strand, the complement: HUWE1 is on the minus strand). VCF-style: chrX-53552884-G-A. GRCh37 (hg19) VCF-style: chrX-53579845-G-A.
Other names: c.8501C>T, p.Ser2834Phe (NM_001441048.1, NM_001441051.1, NM_001441053.1 and 2 more transcripts); c.8504C>T, p.Ser2835Phe (NM_001441049.1, NM_001441054.1, NM_001441057.1); c.8525C>T, p.Ser2842Phe (NM_001441050.1, NM_001441055.1); c.8102C>T, p.Ser2701Phe (NM_001441052.1); short protein forms S2701F, S2834F, S2835F, S2842F.
Identifiers: ClinVar variation 4846813 (VCV004846813.1).

ClinVar aggregate classification (germline): Uncertain significance (1 of 4 stars; one submission).

Conditions:
Intellectual developmental disorder, X-linked, syndromic, Turner type. Also called: X-linked intellectual disability, Turner type; Intellectual disability, X-linked syndromic, Turner type. Identifiers: Orphanet 3056, Orphanet 85328, MedGen C2678046, MONDO:0010407, OMIM 309590.

Submission:

Laboratorio de Genetica e Diagnostico Molecular, Hospital Israelita Albert Einstein
Classification: Uncertain significance for Intellectual developmental disorder, X-linked, syndromic, Turner type. Last evaluated: 2025-06-11. Review status: criteria provided, single submitter. Criteria: ACMG Guidelines, 2015. Collection method: clinical testing. Allele origin: germline. Affected: yes.
Comment: ACMG classification criteria: PM2 supporting, PP2 supporting, BP4 supporting